The following is an entry in ClinVar:

NM_198576.4(AGRN):c.4670C>T (p.Pro1557Leu)

Gene: AGRN (agrin; plus strand). Cytogenetic location: 1p36.33.
Variant type: single nucleotide variant.
Coding change: c.4670C>T on transcript NM_198576.4 (MANE Select); coding-DNA position 4670, C replaced by T.
Protein change: p.Pro1557Leu; replaces proline 1557 with leucine.
Molecular consequence: missense variant.
Genome position (GRCh38, 1-based): chr1:1,049,721, C>T. VCF-style: chr1-1049721-C-T. GRCh37 (hg19) VCF-style: chr1-985101-C-T.
Other names: c.4670C>T, p.Pro1557Leu (NM_001305275.2); c.4355C>T, p.Pro1452Leu (NM_001364727.2); short protein forms P1452L, P1557L.
Identifiers: ClinVar variation 858225 (VCV000858225.8), dbSNP rs1189874293, ClinGen allele CA337778971.

ClinVar aggregate classification (germline): Uncertain significance (1 of 4 stars; one submission).

Conditions:
Congenital myasthenic syndrome 8. Also called: MYASTHENIC SYNDROME, CONGENITAL, DUE TO AGRIN DEFICIENCY; Myasthenic syndrome, congenital, 8, with pre- and postsynaptic defects. Identifiers: Orphanet 590, MedGen C3808739, MONDO:0014052, OMIM 615120.

Allele frequency attached by ClinVar (database versions not stated): TOPMed below 0.00001; gnomAD 0.00001 and 0.00002; gnomAD exomes 0.00001.
gnomAD v4.1: 3 of 1,583,648 alleles (0.00019%); highest among the groups gnomAD compares: Admixed American, 0.0037%; no homozygotes.

Submission:

Labcorp Genetics (formerly Invitae), Labcorp
Classification: Uncertain significance for Congenital myasthenic syndrome 8. Last evaluated: 2021-03-28. Review status: criteria provided, single submitter. Criteria: Invitae Variant Classification Sherloc (09022015). Collection method: clinical testing. Allele origin: germline.
Comment: This variant has not been reported in the literature in individuals with AGRN-related conditions. In summary, the available evidence is currently insufficient to determine the role of this variant in disease. Therefore, it has been classified as a Variant of Uncertain Significance. Algorithms developed to predict the effect of missense changes on protein structure and function are either unavailable or do not agree on the potential impact of this missense change (SIFT: "Deleterious"; PolyPhen-2: "Probably Damaging"; Align-GVGD: "Class C0"). This variant is not present in population databases (ExAC no frequency). This sequence change replaces proline with leucine at codon 1557 of the AGRN protein (p.Pro1557Leu). The proline residue is highly conserved and there is a moderate physicochemical difference between proline and leucine.